The following is an entry in ClinVar:

ClinVar aggregate classification (germline): Likely benign (1 of 4 stars; one submission).

Allele frequency attached by ClinVar (database versions not stated): gnomAD exomes below 0.00001.

Submission:

CeGaT Center for Human Genetics Tuebingen
Classification: Likely benign. Last evaluated: 2023-02-01. Review status: criteria provided, single submitter. Criteria: CeGaT Center For Human Genetics Tuebingen Variant Classification Criteria Version 2. Collection method: clinical testing. Allele origin: germline. Affected: yes. Observed: 1 variant allele.
Comment: AHSP: PM2:Supporting, BP4, BP7

NM_016633.4(AHSP):c.61C>T (p.Leu21=)

Gene: AHSP (alpha hemoglobin stabilizing protein; plus strand). Cytogenetic location: 16p11.2.
Variant type: single nucleotide variant.
Coding change: c.61C>T on transcript NM_016633.4 (MANE Select); coding-DNA position 61, C replaced by T.
Protein change: p.Leu21=; no amino-acid change (leucine 21 retained).
Molecular consequence: synonymous variant.
Genome position (GRCh38, 1-based): chr16:31,528,200, C>T. VCF-style: chr16-31528200-C-T. GRCh37 (hg19) VCF-style: chr16-31539521-C-T.
Other names: c.61C>T, p.Leu21= (NM_001318221.2, NM_001318222.2).
Identifiers: ClinVar variation 2646484 (VCV002646484.24), dbSNP rs2544912430, ClinGen allele CA494932167.
Genomic context (GRCh38, chr16:31,528,200, plus strand): 5'-ATGGCTCTTCTTAAGGCCAATAAGGATCTCATTTCCGCAGGATTGAAGGAGTTCAGCGTT[C>T]TGCTGAATCAGCAGGTGAGTCCAAGCTTTCCATTTCAAAGGACTGGCCTGGAGACTGGGG-3'
Protein context (NP_057717.1, residues 11-31): ISAGLKEFSV[Leu21=]LNQQVFNDPL